The following is an entry in ClinVar:

ClinVar aggregate classification (germline): Uncertain significance (1 of 4 stars; one submission).

Conditions:
Hypertrophic cardiomyopathy 1 (CMH1). Also called: Familial hypertrophic cardiomyopathy 1; MYH7-Related Familial Hypertrophic Cardiomyopathy. Identifiers: MedGen C3495498, MONDO:0008647, OMIM 192600.

Submission:

Labcorp Genetics (formerly Invitae), Labcorp
Classification: Uncertain significance for Hypertrophic cardiomyopathy 1. Last evaluated: 2022-06-23. Review status: criteria provided, single submitter. Criteria: Invitae Variant Classification Sherloc (09022015). Collection method: clinical testing. Allele origin: germline.
Comment: In summary, the available evidence is currently insufficient to determine the role of this variant in disease. Therefore, it has been classified as a Variant of Uncertain Significance. Algorithms developed to predict the effect of sequence changes on RNA splicing suggest that this variant may create or strengthen a splice site. This variant has not been reported in the literature in individuals affected with MYLK2-related conditions. This variant is not present in population databases (gnomAD no frequency). This sequence change falls in intron 2 of the MYLK2 gene. It does not directly change the encoded amino acid sequence of the MYLK2 protein.

NM_033118.4(MYLK2):c.52+14G>T

Gene: MYLK2 (myosin light chain kinase 2; plus strand). Cytogenetic location: 20q11.21.
Variant type: single nucleotide variant.
Coding change: c.52+14G>T on transcript NM_033118.4 (MANE Select); 14 bases into the intron after coding-DNA position 52, G replaced by T.
Molecular consequence: intron variant.
Genome position (GRCh38, 1-based): chr20:31,819,646, G>T. VCF-style: chr20-31819646-G-T. GRCh37 (hg19) VCF-style: chr20-30407449-G-T.
Identifiers: ClinVar variation 2178996 (VCV002178996.4), dbSNP rs2123125141, ClinGen allele CA2580098066.